The following is an entry in ClinVar:

NM_025114.4(CEP290):c.2211T>C (p.Asn737=)

Gene: CEP290 (centrosomal protein 290; minus strand). Cytogenetic location: 12q21.32.
Variant type: single nucleotide variant.
Coding change: c.2211T>C on transcript NM_025114.4 (MANE Select); coding-DNA position 2211, T replaced by C.
Protein change: p.Asn737=; no amino-acid change (asparagine 737 retained).
Molecular consequence: synonymous variant.
Genome position (GRCh38, 1-based): chr12:88,111,700, A>G on the plus strand (T>C on the coding strand, the complement: CEP290 is on the minus strand). VCF-style: chr12-88111700-A-G. GRCh37 (hg19) VCF-style: chr12-88505477-A-G.
Other names: c.2211T>C (NM_025114.3).
Identifiers: ClinVar variation 1104323 (VCV001104323.11), dbSNP rs763182158, ClinGen allele CA6712386.

ClinVar aggregate classification (germline): Likely benign. Review status: criteria provided, single submitter (1 of 4 stars). 2 submissions from 2 submitters: Likely benign (1). 1 of the submissions does not count toward it. Last evaluated 2024-03-05.

Conditions:
Joubert syndrome. Also called: CEREBELLOPARENCHYMAL DISORDER IV; JOUBERT-BOLTSHAUSER SYNDROME; Familial aplasia of the vermis. Identifiers: Orphanet 475, MedGen C5979921, MONDO:0018772.
Nephronophthisis. Also called: Juvenile Nephronophthisis. Identifiers: Orphanet 655, MedGen C0687120, MONDO:0019005, HP:0000090.
Meckel-Gruber syndrome. Also called: DYSENCEPHALIA SPLANCHNOCYSTICA; GRUBER SYNDROME; Dysencephalia splachnocystica. Identifiers: Orphanet 564, MedGen C0265215, MONDO:0018921.
CEP290-related disorder. Also called: CEP290-related disorders; CEP290-related condition. Identifiers: MedGen CN239314.

Allele frequency attached by ClinVar (database versions not stated): gnomAD exomes 0.00001 and 0.00002; ExAC 0.00002; gnomAD 0.00002; TOPMed 0.00004.
gnomAD v4.1: 11 of 1,577,280 alleles (0.0007%); highest among the groups gnomAD compares: East Asian, 0.023%; no homozygotes.

Submissions (2):

Labcorp Genetics (formerly Invitae), Labcorp
Classification: Likely benign for Joubert syndrome; Meckel-Gruber syndrome; Nephronophthisis. Last evaluated: 2024-03-05. Review status: criteria provided, single submitter. Criteria: Invitae Variant Classification Sherloc (09022015). Collection method: clinical testing. Allele origin: germline.

PreventionGenetics, part of Exact Sciences
Classification: Likely benign for CEP290-related condition. Last evaluated: 2019-09-17. Review status: no assertion criteria provided. Collection method: clinical testing. Allele origin: germline. Not counted in ClinVar's aggregate classification.
Comment: This variant is classified as likely benign based on ACMG/AMP sequence variant interpretation guidelines (Richards et al. 2015 PMID: 25741868, with internal and published modifications).